The following is an entry in ClinVar:

NM_138927.4(SON):c.6657+186C>T

Gene: SON (SON DNA and RNA binding protein; plus strand). Cytogenetic location: 21q22.11.
Variant type: single nucleotide variant.
Coding change: c.6657+186C>T on transcript NM_138927.4 (MANE Select); 186 bases into the intron after coding-DNA position 6657, C replaced by T.
Molecular consequence: intron variant. On other transcripts: missense variant (1).
Genome position (GRCh38, 1-based): chr21:33,559,961, C>T. VCF-style: chr21-33559961-C-T. GRCh37 (hg19) VCF-style: chr21-34932267-C-T.
Other names: c.6742C>T, p.Leu2248Phe (NM_032195.3); c.741+186C>T (NM_001291412.3); short protein forms L2248F.
Identifiers: ClinVar variation 1386669 (VCV001386669.13), dbSNP rs748700660, ClinGen allele CA10010012.

ClinVar aggregate classification (germline): Likely benign. Review status: criteria provided, multiple submitters, no conflicts (2 of 4 stars). 2 submissions from 2 submitters: Likely benign (2). Last evaluated 2025-09-01.

Allele frequency attached by ClinVar (database versions not stated): gnomAD exomes below 0.00001; TOPMed below 0.00001; ExAC 0.00001; gnomAD 0.00002.
gnomAD v4.1: 5 of 1,614,002 alleles (0.00031%); highest among the groups gnomAD compares: African/African-American, 0.004%; no homozygotes.

Submissions (2):

CeGaT Center for Human Genetics Tuebingen
Classification: Likely benign. Last evaluated: 2025-09-01. Review status: criteria provided, single submitter. Criteria: CeGaT Center For Human Genetics Tuebingen Variant Classification Criteria Version 2. Collection method: clinical testing. Allele origin: germline. Affected: yes. Observed: 1 variant allele.
Comment: SON: BP4

Labcorp Genetics (formerly Invitae), Labcorp
Classification: Likely benign. Last evaluated: 2024-02-06. Review status: criteria provided, single submitter. Criteria: Invitae Variant Classification Sherloc (09022015). Collection method: clinical testing. Allele origin: germline.